The following is an entry in ClinVar:

NM_001349338.3(FOXP1):c.1004dup (p.Asp335fs)

Gene: FOXP1 (forkhead box P1; minus strand). Cytogenetic location: 3p13.
Variant type: Duplication.
Coding change: c.1004dup on transcript NM_001349338.3 (MANE Select); coding-DNA position 1004, one base duplicated (A; older notation c.1004dupA).
Protein change: p.Asp335fs; shifts the reading frame from aspartic acid 335.
Molecular consequence: frameshift variant.
Genome position (GRCh38, 1-based): chr3:71,001,030, T duplicated on the plus strand (A on the coding strand, the reverse complement: FOXP1 is on the minus strand). VCF-style (leftmost placement, unchanged base first): chr3-71001029-A-AT. GRCh37 (hg19) VCF-style: chr3-71050180-A-AT.
Other names: c.1004dup, p.Asp335fs (NM_001244808.3, NM_001244810.2, NM_001244814.3 and 3 more transcripts); c.776dup, p.Asp259fs (NM_001244812.3); c.704dup, p.Asp235fs (NM_001244813.3, NM_001244815.2, NM_001349342.3 and 1 more transcripts); c.701dup, p.Asp234fs (NM_001349337.2, NM_001349343.3, NM_001349344.3); c.1001dup, p.Asp334fs (NM_001349341.3); short protein forms D234fs, D235fs, D259fs, D334fs, D335fs.
Identifiers: ClinVar variation 4294307 (VCV004294307.1).

ClinVar aggregate classification (germline): Pathogenic (1 of 4 stars; one submission).

Conditions:
Intellectual disability-severe speech delay-mild dysmorphism syndrome (IDDLA). Also called: Intellectual developmental disorder with language impairment AND with or without autistic features; Mental retardation with language impairment and autistic features; FOXP1 Syndrome. Identifiers: Orphanet 391372, MedGen C4013764, MONDO:0013352, OMIM 613670.

Submission:

Institute of Human Genetics, Heidelberg University
Classification: Pathogenic for Intellectual disability-severe speech delay-mild dysmorphism syndrome. Last evaluated: 2025-09-03. Review status: criteria provided, single submitter. Criteria: ACMG Guidelines, 2015. Collection method: clinical testing. Allele origin: unknown. Affected: yes. Observed: 1 variant allele.
Comment: PVS1, PM2_sup, PS2_sup